The following is an entry in ClinVar:

ClinVar aggregate classification (germline): Uncertain significance. Review status: criteria provided, multiple submitters, no conflicts (2 of 4 stars). 2 submissions from 2 submitters: Uncertain significance (2). Last evaluated 2025-07-28.

Conditions:
Hereditary cancer-predisposing syndrome. Also called: Hereditary Cancer Syndrome; Hereditary neoplastic syndrome; Neoplastic Syndromes, Hereditary; Tumor predisposition. Identifiers: Orphanet 140162, MedGen C0027672, MeSH D009386, MONDO:0015356.
Bloom syndrome (BLM). Also called: Bloom-Torre-Machacek syndrome. Identifiers: Orphanet 125, MedGen C0005859, MONDO:0008876, OMIM 210900.

Submissions (2):

Ambry Genetics
Classification: Uncertain significance for Hereditary cancer-predisposing syndrome. Last evaluated: 2025-07-28. Review status: criteria provided, single submitter. Criteria: Ambry Variant Classification Scheme 2023. Collection method: clinical testing. Allele origin: germline.
Comment: The p.L486I variant (also known as c.1456C>A), located in coding exon 6 of the BLM gene, results from a C to A substitution at nucleotide position 1456. The leucine at codon 486 is replaced by isoleucine, an amino acid with highly similar properties. This amino acid position is conserved. In addition, this alteration is predicted to be tolerated by in silico analysis. Based on the available evidence, the clinical significance of this variant remains unclear.

Labcorp Genetics (formerly Invitae), Labcorp
Classification: Uncertain significance for Bloom syndrome. Last evaluated: 2024-07-30. Review status: criteria provided, single submitter. Criteria: Invitae Variant Classification Sherloc (09022015). Collection method: clinical testing. Allele origin: germline.
Comment: This sequence change replaces leucine, which is neutral and non-polar, with isoleucine, which is neutral and non-polar, at codon 486 of the BLM protein (p.Leu486Ile). This variant is not present in population databases (gnomAD no frequency). This variant has not been reported in the literature in individuals affected with BLM-related conditions. Advanced modeling of protein sequence and biophysical properties (such as structural, functional, and spatial information, amino acid conservation, physicochemical variation, residue mobility, and thermodynamic stability) performed at Invitae indicates that this missense variant is not expected to disrupt BLM protein function with a negative predictive value of 80%. In summary, the available evidence is currently insufficient to determine the role of this variant in disease. Therefore, it has been classified as a Variant of Uncertain Significance.

NM_000057.4(BLM):c.1456C>A (p.Leu486Ile)

Gene: BLM (BLM RecQ like helicase; plus strand). Cytogenetic location: 15q26.1.
Variant type: single nucleotide variant.
Coding change: c.1456C>A on transcript NM_000057.4 (MANE Select); coding-DNA position 1456, C replaced by A.
Protein change: p.Leu486Ile; replaces leucine 486 with isoleucine.
Molecular consequence: missense variant.
Genome position (GRCh38, 1-based): chr15:90,760,829, C>A. VCF-style: chr15-90760829-C-A. GRCh37 (hg19) VCF-style: chr15-91304059-C-A.
Other names: c.1456C>A, p.Leu486Ile (NM_001287246.2, NM_001287247.2); c.331C>A, p.Leu111Ile (NM_001287248.2); short protein forms L111I, L486I.
Identifiers: ClinVar variation 3726670 (VCV003726670.3).
Genomic context (GRCh38, chr15:90,760,829, plus strand): 5'-GGGGACTGTTTACTGACTACCACCCTAGGAAAGACAGGATTCTCTGCCACCAGGAAGAAT[C>A]TTTTTGAAAGGCCTTTATTCAATACCCATTTACAGAAGTCCTTTGTAAGTAGCAACTGGG-3'
Protein context (NP_000048.1, residues 476-496): KTGFSATRKN[Leu486Ile]FERPLFNTHL